The following is an entry in ClinVar:

ClinVar aggregate classification (germline): Uncertain significance (1 of 4 stars; one submission).

Conditions:
Cardiovascular phenotype. Identifiers: MedGen CN230736.

gnomAD v4.1: 1 of 1,601,858 alleles (0.000062%); no homozygotes.

Submission:

Ambry Genetics
Classification: Uncertain significance for Cardiovascular phenotype. Last evaluated: 2023-11-12. Review status: criteria provided, single submitter. Criteria: Ambry Variant Classification Scheme 2023. Collection method: clinical testing. Allele origin: germline.
Comment: The p.E1191K variant (also known as c.3571G>A), located in coding exon 24 of the TRPM4 gene, results from a G to A substitution at nucleotide position 3571. The glutamic acid at codon 1191 is replaced by lysine, an amino acid with similar properties. This amino acid position is conserved. In addition, this alteration is predicted to be tolerated by in silico analysis. Since supporting evidence is limited at this time, the clinical significance of this alteration remains unclear.

NM_017636.4(TRPM4):c.3571G>A (p.Glu1191Lys)

Gene: TRPM4 (transient receptor potential cation channel subfamily M member 4; plus strand). Cytogenetic location: 19q13.33.
Variant type: single nucleotide variant.
Coding change: c.3571G>A on transcript NM_017636.4 (MANE Select); coding-DNA position 3571, G replaced by A.
Protein change: p.Glu1191Lys; replaces glutamic acid 1191 with lysine.
Molecular consequence: missense variant.
Genome position (GRCh38, 1-based): chr19:49,211,200, G>A. VCF-style: chr19-49211200-G-A. GRCh37 (hg19) VCF-style: chr19-49714457-G-A.
Other names: c.3136G>A, p.Glu1046Lys (NM_001195227.2); c.3226G>A, p.Glu1076Lys (NM_001321281.2); c.1963G>A, p.Glu655Lys (NM_001321282.2); c.3049G>A, p.Glu1017Lys (NM_001321283.2); c.2509G>A, p.Glu837Lys (NM_001321285.2); short protein forms E1017K, E1046K, E1076K, E1191K, E655K, E837K.
Identifiers: ClinVar variation 3227027 (VCV003227027.1), dbSNP rs2514245148, ClinGen allele CA406773669.